The following is an entry in ClinVar:

ClinVar aggregate classification (germline): Uncertain significance. Review status: criteria provided, multiple submitters, no conflicts (2 of 4 stars). 2 submissions from 2 submitters: Uncertain significance (2). Last evaluated 2024-05-10.

Conditions:
Developmental delay, hypotonia, musculoskeletal defects, and behavioral abnormalities. Identifiers: MedGen C5562012, MONDO:0859202, OMIM 619595.
Floating-Harbor syndrome (FLHS). Also called: SRCAP-Related Floating-Harbor Syndrome; Short stature with delayed bone age, expressive language delay, a triangular face with a prominent nose and deep-set eyes; Pelletier-Leisti syndrome. Identifiers: Orphanet 2044, MedGen C0729582, MONDO:0007621, OMIM 136140.

Allele frequency attached by ClinVar (database versions not stated): TOPMed below 0.00001; ExAC 0.00001; gnomAD exomes 0.00001.
gnomAD v4.1: 3 of 1,612,944 alleles (0.00019%); highest among the groups gnomAD compares: Admixed American, 0.005%; no homozygotes.

Submissions (2):

Fulgent Genetics
Classification: Uncertain significance for Floating-Harbor syndrome; Developmental delay, hypotonia, musculoskeletal defects, and behavioral abnormalities. Last evaluated: 2024-05-10. Review status: criteria provided, single submitter. Criteria: ACMG Guidelines, 2015. Collection method: clinical testing. Allele origin: germline.

Labcorp Genetics (formerly Invitae), Labcorp
Classification: Uncertain significance. Last evaluated: 2022-10-17. Review status: criteria provided, single submitter. Criteria: Invitae Variant Classification Sherloc (09022015). Collection method: clinical testing. Allele origin: germline.
Comment: In summary, the available evidence is currently insufficient to determine the role of this variant in disease. Therefore, it has been classified as a Variant of Uncertain Significance. Advanced modeling of protein sequence and biophysical properties (such as structural, functional, and spatial information, amino acid conservation, physicochemical variation, residue mobility, and thermodynamic stability) performed at Invitae indicates that this missense variant is not expected to disrupt SRCAP protein function. This variant has not been reported in the literature in individuals affected with SRCAP-related conditions. This variant is present in population databases (rs761754149, gnomAD 0.003%). This sequence change replaces isoleucine, which is neutral and non-polar, with valine, which is neutral and non-polar, at codon 949 of the SRCAP protein (p.Ile949Val).

NM_006662.3(SRCAP):c.2845A>G (p.Ile949Val)

Gene: SRCAP (Snf2 related CREBBP activator protein; plus strand). Cytogenetic location: 16p11.2.
Variant type: single nucleotide variant.
Coding change: c.2845A>G on transcript NM_006662.3 (MANE Select); coding-DNA position 2845, A replaced by G.
Protein change: p.Ile949Val; replaces isoleucine 949 with valine.
Molecular consequence: missense variant.
Genome position (GRCh38, 1-based): chr16:30,720,189, A>G. VCF-style: chr16-30720189-A-G. GRCh37 (hg19) VCF-style: chr16-30731510-A-G.
Other names: short protein forms I949V.
Identifiers: ClinVar variation 1896454 (VCV001896454.6), dbSNP rs761754149, ClinGen allele CA8011333.